The following is an entry in ClinVar:

NM_006939.4(SOS2):c.3266del (p.Pro1089fs)

Gene: SOS2 (SOS Ras/Rho guanine nucleotide exchange factor 2; minus strand). Cytogenetic location: 14q21.3.
Variant type: Deletion.
Coding change: c.3266del on transcript NM_006939.4 (MANE Select); coding-DNA position 3266, one base deleted (C; older notation c.3266delC).
Protein change: p.Pro1089fs; shifts the reading frame from proline 1089.
Molecular consequence: frameshift variant.
Genome position (GRCh38, 1-based): chr14:50,130,572, G deleted on the plus strand (C on the coding strand, the reverse complement: SOS2 is on the minus strand); the first of 2 consecutive G bases (chr14:50,130,572-50,130,573); deleting either gives the same sequence. VCF-style (leftmost placement, unchanged base first): chr14-50130571-TG-T. GRCh37 (hg19) VCF-style: chr14-50597289-TG-T.
Other names: c.3167del, p.Pro1056fs (NM_001411020.1); short protein forms P1056fs, P1089fs.
Identifiers: ClinVar variation 3727068 (VCV003727068.2).

ClinVar aggregate classification (germline): Uncertain significance (1 of 4 stars; one submission).

Conditions:
Noonan syndrome 9 (NS9). Identifiers: Orphanet 648, MedGen C4225282, MONDO:0014691, OMIM 616559.

Submission:

Labcorp Genetics (formerly Invitae), Labcorp
Classification: Uncertain significance for Noonan syndrome 9. Last evaluated: 2024-12-17. Review status: criteria provided, single submitter. Criteria: Invitae Variant Classification Sherloc (09022015). Collection method: clinical testing. Allele origin: germline.
Comment: This sequence change creates a premature translational stop signal (p.Pro1089Hisfs*16) in the SOS2 gene. It is expected to result in an absent or disrupted protein product. However, the current clinical and genetic evidence is not sufficient to establish whether loss-of-function variants in SOS2 cause disease. This variant is not present in population databases (gnomAD no frequency). This variant has not been reported in the literature in individuals affected with SOS2-related conditions. In summary, the available evidence is currently insufficient to determine the role of this variant in disease. Therefore, it has been classified as a Variant of Uncertain Significance.